The following is an entry in ClinVar:

ClinVar aggregate classification (germline): Uncertain significance (1 of 4 stars; one submission).

Conditions:
Postaxial polydactyly-anterior pituitary anomalies-facial dysmorphism syndrome. Also called: Culler-Jones syndrome. Identifiers: Orphanet 420584, MedGen C4014479, MONDO:0014369, OMIM 615849.
Holoprosencephaly 9 (HPE9). Also called: PITUITARY ANOMALIES WITH HOLOPROSENCEPHALY-LIKE FEATURES; HOLOPROSENCEPHALY WITH MICROPHTHALMIA AND FIRST BRANCHIAL ARCH ANOMALIES. Identifiers: Orphanet 2162, MedGen C1835819, MONDO:0012563, OMIM 610829.

Allele frequency attached by ClinVar (database versions not stated): gnomAD 0.00004; TOPMed 0.00004.

Submission:

Labcorp Genetics (formerly Invitae), Labcorp
Classification: Uncertain significance for Postaxial polydactyly-anterior pituitary anomalies-facial dysmorphism syndrome; Holoprosencephaly 9. Last evaluated: 2023-07-31. Review status: criteria provided, single submitter. Criteria: Invitae Variant Classification Sherloc (09022015). Collection method: clinical testing. Allele origin: germline.
Comment: This sequence change replaces isoleucine, which is neutral and non-polar, with valine, which is neutral and non-polar, at codon 98 of the GLI2 protein (p.Ile98Val). This variant is present in population databases (no rsID available, gnomAD 0.02%). This variant has not been reported in the literature in individuals affected with GLI2-related conditions. An algorithm developed to predict the effect of missense changes on protein structure and function (PolyPhen-2) suggests that this variant is likely to be tolerated. In summary, the available evidence is currently insufficient to determine the role of this variant in disease. Therefore, it has been classified as a Variant of Uncertain Significance.

NM_001374353.1(GLI2):c.292A>G (p.Ile98Val)

Gene: GLI2 (GLI family zinc finger 2; plus strand). Cytogenetic location: 2q14.2.
Variant type: single nucleotide variant.
Coding change: c.292A>G on transcript NM_001374353.1 (MANE Select); coding-DNA position 292, A replaced by G.
Protein change: p.Ile98Val; replaces isoleucine 98 with valine.
Molecular consequence: missense variant. On other transcripts: 5 prime UTR variant (1).
Genome position (GRCh38, 1-based): chr2:120,951,280, A>G. VCF-style: chr2-120951280-A-G. GRCh37 (hg19) VCF-style: chr2-121708856-A-G.
Other names: c.292A>G, p.Ile98Val (NM_001371271.1, NM_005270.5); c.-84A>G (NM_001374354.1); short protein forms I98V.
Identifiers: ClinVar variation 2924938 (VCV002924938.3), dbSNP rs1050289427, ClinGen allele CA54410895.
Genomic context (GRCh38, chr2:120,951,280, plus strand): 5'-ACGGCTGCCCATTGTCTCTGCAGGCCCCCTGCCCTCAGCGGCAGCCCTGTCATCTCTGAC[A>G]TCTCCTTGATCCGGCTTTCCCCGCACCCGGCTGGCCCTGGGGAGTCCCCCTTCAACGCCC-3'
Protein context (NP_001361282.1, residues 88-108): ALSGSPVISD[Ile98Val]SLIRLSPHPA